The following is an entry in ClinVar:

NM_003356.4(UCP3):c.296A>G (p.Tyr99Cys)

Gene: UCP3 (uncoupling protein 3; minus strand). Cytogenetic location: 11q13.4.
Variant type: single nucleotide variant.
Coding change: c.296A>G on transcript NM_003356.4 (MANE Select); coding-DNA position 296, A replaced by G.
Protein change: p.Tyr99Cys; replaces tyrosine 99 with cysteine.
Molecular consequence: missense variant.
Genome position (GRCh38, 1-based): chr11:74,006,210, T>C on the plus strand (A>G on the coding strand, the complement: UCP3 is on the minus strand). VCF-style: chr11-74006210-T-C. GRCh37 (hg19) VCF-style: chr11-73717255-T-C.
Other names: c.296A>G, p.Tyr99Cys (NM_022803.3); short protein forms Y99C.
Identifiers: ClinVar variation 3354475 (VCV003354475.1).

ClinVar aggregate classification (germline): Uncertain significance (0 of 4 stars; one submission).

Conditions:
UCP3-related disorder. Also called: UCP3-related condition.

gnomAD v4.1: 14 of 1,614,072 alleles (0.00087%); highest among the groups gnomAD compares: South Asian, 0.0011%; no homozygotes.

Submission:

PreventionGenetics, part of Exact Sciences
Classification: Uncertain significance for UCP3-related condition. Last evaluated: 2024-03-29. Review status: no assertion criteria provided. Collection method: clinical testing. Allele origin: germline.
Comment: The UCP3 c.296A>G variant is predicted to result in the amino acid substitution p.Tyr99Cys. To our knowledge, this variant has not been reported in the literature. This variant is reported in 0.0033% of alleles in individuals of South Asian descent in gnomAD. At this time, the clinical significance of this variant is uncertain due to the absence of conclusive functional and genetic evidence.